The following is an entry in ClinVar:

ClinVar aggregate classification (germline): Uncertain significance (1 of 4 stars; one submission).

Submission:

Labcorp Genetics (formerly Invitae), Labcorp
Classification: Uncertain significance. Last evaluated: 2023-03-16. Review status: criteria provided, single submitter. Criteria: Invitae Variant Classification Sherloc (09022015). Collection method: clinical testing. Allele origin: germline.
Comment: This variant is not present in population databases (gnomAD no frequency). This variant, c.1154_1159dup, results in the insertion of 2 amino acid(s) of the IRF2BP2 protein (p.Gly386_Leu387insGlnGly), but otherwise preserves the integrity of the reading frame. This variant has not been reported in the literature in individuals affected with IRF2BP2-related conditions. In summary, the available evidence is currently insufficient to determine the role of this variant in disease. Therefore, it has been classified as a Variant of Uncertain Significance. Experimental studies and prediction algorithms are not available or were not evaluated, and the functional significance of this variant is currently unknown.

NM_182972.3(IRF2BP2):c.1154_1159dup (p.Gly386_Leu387insGlnGly)

Gene: IRF2BP2 (interferon regulatory factor 2 binding protein 2; minus strand). Cytogenetic location: 1q42.3.
Variant type: Duplication.
Coding change: c.1154_1159dup on transcript NM_182972.3 (MANE Select); coding-DNA positions 1154 to 1159, 6 bases duplicated (AGGGGC; older notation c.1154_1159dupAGGGGC).
Protein change: p.Gly386_Leu387insGlnGly.
Molecular consequence: inframe insertion.
Genome position (GRCh38, 1-based): chr1:234,607,742-234,607,747, GCCCCT duplicated on the plus strand (AGGGGC on the coding strand, the reverse complement: IRF2BP2 is on the minus strand). VCF-style (leftmost placement, unchanged base first): chr1-234607741-A-AGCCCCT. GRCh37 (hg19) VCF-style: chr1-234743487-A-AGCCCCT.
Other names: c.1106_1111dup, p.Gly370_Leu371insGlnGly (NM_001077397.1).
Identifiers: ClinVar variation 2846301 (VCV002846301.3), dbSNP rs1672202251, ClinGen allele CA1228286464.